The following is an entry in ClinVar:

NM_021975.4(RELA):c.1163C>T (p.Pro388Leu)

Gene: RELA (RELA proto-oncogene, NF-kB subunit; minus strand). Cytogenetic location: 11q13.1.
Variant type: single nucleotide variant.
Coding change: c.1163C>T on transcript NM_021975.4 (MANE Select); coding-DNA position 1163, C replaced by T.
Protein change: p.Pro388Leu; replaces proline 388 with leucine.
Molecular consequence: missense variant. On other transcripts: intron variant (1).
Genome position (GRCh38, 1-based): chr11:65,654,871, G>A on the plus strand (C>T on the coding strand, the complement: RELA is on the minus strand). VCF-style: chr11-65654871-G-A. GRCh37 (hg19) VCF-style: chr11-65422342-G-A.
Other names: c.1070C>T, p.Pro357Leu (NM_001404662.1, NM_001404663.1); c.1154C>T, p.Pro385Leu (NM_001145138.2); c.1163C>T, p.Pro388Leu (NM_001243985.2); c.1196C>T, p.Pro399Leu (NM_001404657.1); c.1034-78C>T (NM_001243984.2); c.1136C>T, p.Pro379Leu (NM_001404658.1); c.950C>T, p.Pro317Leu (NM_001404659.1); c.845C>T, p.Pro282Leu (NM_001404660.1); and 1 more; short protein forms P357L, P261L, P379L, P385L, P388L, P399L, P282L, P317L.
Identifiers: ClinVar variation 2897306 (VCV002897306.3), dbSNP rs1413493308, ClinGen allele CA381387901.

ClinVar aggregate classification (germline): Uncertain significance (1 of 4 stars; one submission).

Allele frequency attached by ClinVar (database versions not stated): gnomAD exomes 0.00001; TOPMed 0.00001; gnomAD 0.00002.
gnomAD v4.1: 17 of 1,573,116 alleles (0.0011%); highest among the groups gnomAD compares: East Asian, 0.016%; no homozygotes.

Submission:

Labcorp Genetics (formerly Invitae), Labcorp
Classification: Uncertain significance. Last evaluated: 2026-01-23. Review status: criteria provided, single submitter. Criteria: Invitae Variant Classification Sherloc (09022015). Collection method: clinical testing. Allele origin: germline.
Comment: This sequence change replaces proline, which is neutral and non-polar, with leucine, which is neutral and non-polar, at codon 388 of the RELA protein (p.Pro388Leu). This variant is present in population databases (no rsID available, gnomAD 0.004%). This variant has not been reported in the literature in individuals affected with RELA-related conditions. ClinVar contains an entry for this variant (Variation ID: 2897306). An algorithm developed to predict the effect of missense changes on protein structure and function (PolyPhen-2) suggests that this variant is likely to be tolerated. In summary, the available evidence is currently insufficient to determine the role of this variant in disease. Therefore, it has been classified as a Variant of Uncertain Significance.